The following is an entry in ClinVar:

NM_001199397.3(NEK1):c.2726C>G (p.Ser909Cys)

Gene: NEK1 (NIMA related kinase 1; minus strand). Cytogenetic location: 4q33.
Variant type: single nucleotide variant.
Coding change: c.2726C>G on transcript NM_001199397.3 (MANE Select); coding-DNA position 2726, C replaced by G.
Protein change: p.Ser909Cys; replaces serine 909 with cysteine.
Molecular consequence: missense variant. On other transcripts: non-coding transcript variant (1), intron variant (1).
Genome position (GRCh38, 1-based): chr4:169,438,121, G>C on the plus strand (C>G on the coding strand, the complement: NEK1 is on the minus strand). VCF-style: chr4-169438121-G-C. GRCh37 (hg19) VCF-style: chr4-170359272-G-C.
Other names: c.2594C>G, p.Ser865Cys (NM_001199398.3); c.2435C>G, p.Ser812Cys (NM_001199399.3); c.2510C>G, p.Ser837Cys (NM_001199400.3); c.2726C>G, p.Ser909Cys (NM_001374418.1); c.2642C>G, p.Ser881Cys (NM_001374419.1, NM_012224.4); c.2591C>G, p.Ser864Cys (NM_001374420.1); c.2282-4456C>G (NM_001374421.1); short protein forms S881C, S812C, S864C, S865C, S909C, S837C.
Identifiers: ClinVar variation 900660 (VCV000900660.20), dbSNP rs543224510, ClinGen allele CA3137349.

ClinVar aggregate classification (germline): Benign/Likely benign. Review status: criteria provided, multiple submitters, no conflicts (2 of 4 stars). 4 submissions from 4 submitters: Benign (1); Likely benign (2). 1 of the submissions does not count toward it. Last evaluated 2025-09-16.

Conditions:
Short-rib thoracic dysplasia 6 with or without polydactyly (SRTD6). Also called: POLYDACTYLY WITH NEONATAL CHONDRODYSTROPHY, TYPE II; Majewski Syndrome; SHORT RIB-POLYDACTYLY SYNDROME, TYPE IIA; SHORT-RIB THORACIC DYSPLASIA 6 WITH POLYDACTYLY; SHORT-RIB THORACIC DYSPLASIA 6 WITHOUT POLYDACTYLY. Identifiers: MedGen C0024507, MONDO:0009894, OMIM 263520.
NEK1-related disorder. Also called: NEK1-related condition.

Allele frequency attached by ClinVar (database versions not stated): gnomAD 0.00001 and 0.00012; gnomAD exomes 0.00038 and 0.00019; ExAC 0.00062; 1000 Genomes Project 30x 0.00078; TOPMed 0.00004; 1000 Genomes Project 0.00100.
gnomAD v4.1: 304 of 1,612,392 alleles (0.019%); highest among the groups gnomAD compares: South Asian, 0.3%; 5 homozygotes.

Submissions (4):

Labcorp Genetics (formerly Invitae), Labcorp
Classification: Benign for Short-rib thoracic dysplasia 6 with or without polydactyly. Last evaluated: 2025-09-16. Review status: criteria provided, single submitter. Criteria: Invitae Variant Classification Sherloc (09022015). Collection method: clinical testing. Allele origin: germline.

CeGaT Center for Human Genetics Tuebingen
Classification: Likely benign. Last evaluated: 2025-09-01. Review status: criteria provided, single submitter. Criteria: CeGaT Center For Human Genetics Tuebingen Variant Classification Criteria Version 2. Collection method: clinical testing. Allele origin: germline. Affected: yes. Observed: 1 variant allele.
Comment: NEK1: BP4, BS2

Illumina Laboratory Services, Illumina
Classification: Likely benign for Short-rib thoracic dysplasia 6 with or without polydactyly. Last evaluated: 2017-04-27. Review status: criteria provided, single submitter. Criteria: ICSL Variant Classification Criteria 13 December 2019. Collection method: clinical testing. Allele origin: germline.
Comment: This variant was observed as part of a predisposition screen in an ostensibly healthy population. A literature search was performed for the gene, cDNA change, and amino acid change (where applicable). No publications were found based on this search. Allele frequency data from public databases allowed determination this variant is unlikely to cause disease. Therefore, this variant is classified as likely benign.

PreventionGenetics, part of Exact Sciences
Classification: Likely benign for NEK1-related condition. Last evaluated: 2019-11-08. Review status: no assertion criteria provided. Collection method: clinical testing. Allele origin: germline. Not counted in ClinVar's aggregate classification.
Comment: This variant is classified as likely benign based on ACMG/AMP sequence variant interpretation guidelines (Richards et al. 2015 PMID: 25741868, with internal and published modifications).